The following is an entry in ClinVar:

NM_001378615.1(CC2D2A):c.353C>G (p.Ala118Gly)

Genes: CC2D2A (coiled-coil and C2 domain containing 2A; plus strand), FBXL5 (F-box and leucine rich repeat protein 5; minus strand). Cytogenetic location: 4p15.32.
Variant type: single nucleotide variant.
Coding change: c.353C>G on transcript NM_001378615.1 (MANE Select); coding-DNA position 353, C replaced by G.
Protein change: p.Ala118Gly; replaces alanine 118 with glycine.
Molecular consequence: missense variant.
Genome position (GRCh38, 1-based): chr4:15,502,838, C>G. VCF-style: chr4-15502838-C-G. GRCh37 (hg19) VCF-style: chr4-15504461-C-G.
Other names: c.353C>G, p.Ala118Gly (NM_001080522.2); c.206C>G, p.Ala69Gly (NM_001378617.1); short protein forms A118G, A69G.
Identifiers: ClinVar variation 2088907 (VCV002088907.4), dbSNP rs2474890222, ClinGen allele CA356408277.

ClinVar aggregate classification (germline): Uncertain significance (1 of 4 stars; one submission).

Conditions:
Joubert syndrome. Also called: JOUBERT-BOLTSHAUSER SYNDROME; Familial aplasia of the vermis. Identifiers: Orphanet 475, MedGen C5979921, MONDO:0018772.
Meckel-Gruber syndrome. Also called: DYSENCEPHALIA SPLANCHNOCYSTICA; GRUBER SYNDROME; Dysencephalia splachnocystica. Identifiers: Orphanet 564, MedGen C0265215, MONDO:0018921.

Submission:

Labcorp Genetics (formerly Invitae), Labcorp
Classification: Uncertain significance for Joubert syndrome; Meckel-Gruber syndrome. Last evaluated: 2023-07-18. Review status: criteria provided, single submitter. Criteria: Invitae Variant Classification Sherloc (09022015). Collection method: clinical testing. Allele origin: germline.
Comment: This sequence change replaces alanine, which is neutral and non-polar, with glycine, which is neutral and non-polar, at codon 118 of the CC2D2A protein (p.Ala118Gly). This variant is not present in population databases (gnomAD no frequency). This variant has not been reported in the literature in individuals affected with CC2D2A-related conditions. ClinVar contains an entry for this variant (Variation ID: 2088907). Advanced modeling of protein sequence and biophysical properties (such as structural, functional, and spatial information, amino acid conservation, physicochemical variation, residue mobility, and thermodynamic stability) performed at Invitae indicates that this missense variant is not expected to disrupt CC2D2A protein function. In summary, the available evidence is currently insufficient to determine the role of this variant in disease. Therefore, it has been classified as a Variant of Uncertain Significance.